The following is an entry in ClinVar:

ClinVar aggregate classification (germline): Uncertain significance (1 of 4 stars; one submission).

Conditions:
Alpha thalassemia-X-linked intellectual disability syndrome (ATRX). Also called: ALPHA-THALASSEMIA/MENTAL RETARDATION SYNDROME, X-LINKED; ATR, NONDELETION TYPE; ATR-X syndrome; Alpha thalassemia mental retardation syndrome, nondeletion type, X-linked; XLMR hypotonic face syndrome; X-linked alpha-thalassemia-mental retardation syndrome. Identifiers: Orphanet 847, MedGen C1845055, MONDO:0010519, OMIM 301040.

gnomAD v4.1: 1 of 1,209,219 alleles (0.000083%); highest among the groups gnomAD compares: African/African-American, 0.0018%; no homozygotes.

Submission:

Labcorp Genetics (formerly Invitae), Labcorp
Classification: Uncertain significance for Alpha thalassemia-X-linked intellectual disability syndrome. Last evaluated: 2025-12-15. Review status: criteria provided, single submitter. Criteria: Invitae Variant Classification Sherloc (09022015). Collection method: clinical testing. Allele origin: germline.
Comment: This sequence change replaces threonine, which is neutral and polar, with arginine, which is basic and polar, at codon 899 of the ATRX protein (p.Thr899Arg). This variant is not present in population databases (gnomAD no frequency). This variant has not been reported in the literature in individuals affected with ATRX-related conditions. Invitae Evidence Modeling of protein sequence and biophysical properties (such as structural, functional, and spatial information, amino acid conservation, physicochemical variation, residue mobility, and thermodynamic stability) indicates that this missense variant is not expected to disrupt ATRX protein function with a negative predictive value of 95%. In summary, the available evidence is currently insufficient to determine the role of this variant in disease. Therefore, it has been classified as a Variant of Uncertain Significance.

NM_000489.6(ATRX):c.2696C>G (p.Thr899Arg)

Gene: ATRX (ATRX chromatin remodeler; minus strand). Cytogenetic location: Xq21.1.
Variant type: single nucleotide variant.
Coding change: c.2696C>G on transcript NM_000489.6 (MANE Select); coding-DNA position 2696, C replaced by G.
Protein change: p.Thr899Arg; replaces threonine 899 with arginine.
Molecular consequence: missense variant.
Genome position (GRCh38, 1-based): chrX:77,682,560, G>C on the plus strand (C>G on the coding strand, the complement: ATRX is on the minus strand). VCF-style: chrX-77682560-G-C. GRCh37 (hg19) VCF-style: chrX-76938052-G-C.
Other names: c.2582C>G, p.Thr861Arg (NM_138270.5); short protein forms T861R, T899R.
Identifiers: ClinVar variation 4809480 (VCV004809480.1).